The following is an entry in ClinVar:

NM_001024845.3(SLC6A9):c.449C>T (p.Pro150Leu)

Gene: SLC6A9 (solute carrier family 6 member 9; minus strand). Cytogenetic location: 1p34.1.
Variant type: single nucleotide variant.
Coding change: c.449C>T on transcript NM_001024845.3 (MANE Select); coding-DNA position 449, C replaced by T.
Protein change: p.Pro150Leu; replaces proline 150 with leucine.
Molecular consequence: missense variant. On other transcripts: non-coding transcript variant (1).
Genome position (GRCh38, 1-based): chr1:44,008,494, G>A on the plus strand (C>T on the coding strand, the complement: SLC6A9 is on the minus strand). VCF-style: chr1-44008494-G-A. GRCh37 (hg19) VCF-style: chr1-44474166-G-A.
Other names: c.461C>T, p.Pro154Leu (NM_001261380.2); c.116C>T, p.Pro39Leu (NM_001328626.2, NM_001328630.2); c.386C>T, p.Pro129Leu (NM_001328627.1); c.254C>T, p.Pro85Leu (NM_001328628.1); c.449C>T, p.Pro150Leu (NM_001328629.1); c.506C>T, p.Pro169Leu (NM_006934.4); c.668C>T, p.Pro223Leu (NM_201649.4); short protein forms P154L, P39L, P169L, P85L, P129L, P150L, P223L.
Identifiers: ClinVar variation 2106681 (VCV002106681.4), dbSNP rs200138928, ClinGen allele CA21719486.

ClinVar aggregate classification (germline): Uncertain significance (1 of 4 stars; one submission).

Conditions:
Atypical glycine encephalopathy. Also called: Glycine encephalopathy with normal serum glycine. Identifiers: Orphanet 289863, MedGen C4310943, MONDO:0015010, OMIM 617301.

Submission:

Labcorp Genetics (formerly Invitae), Labcorp
Classification: Uncertain significance for Atypical glycine encephalopathy. Last evaluated: 2022-03-04. Review status: criteria provided, single submitter. Criteria: Invitae Variant Classification Sherloc (09022015). Collection method: clinical testing. Allele origin: germline.
Comment: This variant has not been reported in the literature in individuals affected with SLC6A9-related conditions. In summary, the available evidence is currently insufficient to determine the role of this variant in disease. Therefore, it has been classified as a Variant of Uncertain Significance. Algorithms developed to predict the effect of missense changes on protein structure and function (SIFT, PolyPhen-2, Align-GVGD) all suggest that this variant is likely to be tolerated. This variant is not present in population databases (gnomAD no frequency). This sequence change replaces proline, which is neutral and non-polar, with leucine, which is neutral and non-polar, at codon 223 of the SLC6A9 protein (p.Pro223Leu).